The following is an entry in ClinVar:

ClinVar aggregate classification (germline): Uncertain significance (1 of 4 stars; one submission).

Conditions:
GLB1-related disorder. Also called: GLB1-related disorders. Identifiers: MedGen CN377807.

Submission:

PreventionGenetics, part of Exact Sciences
Classification: Uncertain significance for GLB1-related condition. Last evaluated: 2025-03-24. Review status: criteria provided, single submitter. Criteria: ACMG Guidelines, 2015. Collection method: clinical testing. Allele origin: germline.
Comment: The GLB1 c.517C>A variant is predicted to result in the amino acid substitution p.Leu173Ile. To our knowledge, this variant has not been reported in the literature or in a large population database (gnomAD), indicating this variant is rare. An alternate nucleotide change affecting the same amino acid (c.518T>C, p.Leu173Pro) has been reported in two individuals with mucopolysaccharidosis IVB (Santamaria et al. 2006. PubMed ID: 16941474) and in vitro expression in COS-7 cells showed this variant caused a complete absence of enzyme activity (Santamaria et al. 2007. PubMed ID: 17664528). Although we suspect that this variant may be pathogenic, at this time, the clinical significance of this variant is uncertain due to the absence of conclusive functional and genetic evidence.

NM_000404.4(GLB1):c.517C>A (p.Leu173Ile)

Gene: GLB1 (galactosidase beta 1; minus strand). Cytogenetic location: 3p22.3.
Variant type: single nucleotide variant.
Coding change: c.517C>A on transcript NM_000404.4 (MANE Select); coding-DNA position 517, C replaced by A.
Protein change: p.Leu173Ile; replaces leucine 173 with isoleucine.
Molecular consequence: missense variant.
Genome position (GRCh38, 1-based): chr3:33,065,498, G>T on the plus strand (C>A on the coding strand, the complement: GLB1 is on the minus strand). VCF-style: chr3-33065498-G-T. GRCh37 (hg19) VCF-style: chr3-33106990-G-T.
Other names: c.427C>A, p.Leu143Ile (NM_001079811.3); c.305C>A, p.Pro102His (NM_001135602.3); c.661C>A, p.Leu221Ile (NM_001317040.2); c.517C>A, p.Leu173Ile (NM_001393580.1); short protein forms L173I, L143I, L221I, P102H.
Identifiers: ClinVar variation 4999164 (VCV004999164.1).